The following is an entry in ClinVar:

ClinVar aggregate classification (germline): Conflicting classifications of pathogenicity. Review status: criteria provided, conflicting classifications (1 of 4 stars). 4 submissions from 4 submitters: Uncertain significance (1); Likely benign (3). Last evaluated 2026-04-01.

Conditions:
3M syndrome 2. Also called: 3-M Syndrome, OBSL1-Related; THREE M SYNDROME 2. Identifiers: Orphanet 2616, MedGen C2752041, MONDO:0013039, OMIM 612921.

Allele frequency attached by ClinVar (database versions not stated): 1000 Genomes Project 0.00060; 1000 Genomes Project 30x 0.00078; ExAC 0.00101; gnomAD exomes 0.00103 and 0.00188; TOPMed 0.00126; gnomAD 0.00134 and 0.00138; ESP Exome Variant Server 0.00195.
gnomAD v4.1: 2,931 of 1,612,912 alleles (0.18%); highest among the groups gnomAD compares: Non-Finnish European, 0.23%; 7 homozygotes.

Submissions (4):

CeGaT Center for Human Genetics Tuebingen
Classification: Likely benign. Last evaluated: 2026-04-01. Review status: criteria provided, single submitter. Criteria: CeGaT Center For Human Genetics Tuebingen Variant Classification Criteria Version 2. Collection method: clinical testing. Allele origin: germline. Affected: yes. Observed: 3 variant alleles.
Comment: OBSL1: BP4, BP7

Labcorp Genetics (formerly Invitae), Labcorp
Classification: Likely benign. Last evaluated: 2026-01-26. Review status: criteria provided, single submitter. Criteria: Invitae Variant Classification Sherloc (09022015). Collection method: clinical testing. Allele origin: germline.

Blueprint Genetics
Classification: Likely benign. Last evaluated: 2024-10-07. Review status: criteria provided, single submitter. Criteria: ACMG Guidelines, 2015. Collection method: clinical testing. Allele origin: germline.

Illumina Laboratory Services, Illumina
Classification: Uncertain significance for 3M syndrome 2. Last evaluated: 2018-01-12. Review status: criteria provided, single submitter. Criteria: ICSL Variant Classification Criteria 13 December 2019. Collection method: clinical testing. Allele origin: germline.

NM_015311.3(OBSL1):c.762C>T (p.Thr254=)

Gene: OBSL1 (obscurin like cytoskeletal adaptor 1; minus strand). Cytogenetic location: 2q35.
Variant type: single nucleotide variant.
Coding change: c.762C>T on transcript NM_015311.3 (MANE Select); coding-DNA position 762, C replaced by T.
Protein change: p.Thr254=; no amino-acid change (threonine 254 retained).
Molecular consequence: synonymous variant.
Genome position (GRCh38, 1-based): chr2:219,570,471, G>A on the plus strand (C>T on the coding strand, the complement: OBSL1 is on the minus strand). VCF-style: chr2-219570471-G-A. GRCh37 (hg19) VCF-style: chr2-220435193-G-A.
Other names: c.762C>T, p.Thr254= (NM_001173408.2, NM_001173431.2).
Identifiers: ClinVar variation 334530 (VCV000334530.40), dbSNP rs199929590, ClinGen allele CA2131739.